The following is an entry in ClinVar:

ClinVar aggregate classification (germline): Likely pathogenic (1 of 4 stars; one submission).

Conditions:
Acute myeloid leukemia (AML). Also called: Leukemia, acute myeloid, somatic; Leukemia, acute myelogenous, somatic; Acute myeloid leukemia, adult; AML adult; Acute non-lymphocytic leukemia; Acute granulocytic leukemia. Identifiers: Orphanet 519, MedGen C0023467, MeSH D015470, MONDO:0018874, OMIM 601626, HP:0004808. Disease mechanism: Constitutively activated FLT3.

Submission:

Genomic Diagnostics Laboratory, National Institute of Medical Genomics
Classification: Likely pathogenic for Acute myeloid leukemia. Review status: criteria provided, single submitter. Criteria: AMP Guidelines, 2017. Collection method: clinical testing. Allele origin: somatic. Affected: yes.
Comment: The variant was detected in bone marrow from patients, but it was not confirmed in the matched

NM_004364.5(CEBPA):c.918_919insGCGCTGCTTGGCCTTGTCGCAGAC (p.Arg306_Asn307insAlaLeuLeuGlyLeuValAlaAsp)

Gene: CEBPA (CCAAT enhancer binding protein alpha; minus strand). Cytogenetic location: 19q13.11.
Variant type: Insertion.
Coding change: c.918_919insGCGCTGCTTGGCCTTGTCGCAGAC on transcript NM_004364.5 (MANE Select); coding-DNA positions 918 to 919, GCGCTGCTTGGCCTTGTCGCAGAC inserted.
Protein change: p.Arg306_Asn307insAlaLeuLeuGlyLeuValAlaAsp.
Molecular consequence: inframe insertion.
Genome position: GRCh38 VCF-style: chr19-33301496-T-TGTCTGCGACAAGGCCAAGCAGCGC. GRCh37 (hg19) VCF-style: chr19-33792402-T-TGTCTGCGACAAGGCCAAGCAGCGC.
Other names: c.561_562insGCGCTGCTTGGCCTTGTCGCAGAC, p.Arg187_Asn188insAlaLeuLeuGlyLeuValAlaAsp (NM_001285829.2); c.1023_1024insGCGCTGCTTGGCCTTGTCGCAGAC, p.Arg341_Asn342insAlaLeuLeuGlyLeuValAlaAsp (NM_001287424.2); c.876_877insGCGCTGCTTGGCCTTGTCGCAGAC, p.Arg292_Asn293insAlaLeuLeuGlyLeuValAlaAsp (NM_001287435.2).
Identifiers: ClinVar variation 1343790 (VCV001343790.1), dbSNP rs2513328486, ClinGen allele CA2580096784.